The following is an entry in ClinVar:

ClinVar aggregate classification (germline): Uncertain significance (1 of 4 stars; one submission).

Conditions:
Charcot-Marie-Tooth disease dominant intermediate B (CMTDIB). Also called: CHARCOT-MARIE-TOOTH NEUROPATHY, DOMINANT INTERMEDIATE B; Charcot-Marie-Tooth disease dominant intermediate 1; CMT DI1; Charcot-Marie-Tooth disease dominant intermediate I. Identifiers: Orphanet 100044, Orphanet 228179, MedGen C1847902, MONDO:0011674, OMIM 606482.

gnomAD v4.1: 3 of 1,512,006 alleles (0.0002%); highest among the groups gnomAD compares: Non-Finnish European, 0.00027%; no homozygotes.

Submission:

Labcorp Genetics (formerly Invitae), Labcorp
Classification: Uncertain significance for Charcot-Marie-Tooth disease dominant intermediate B. Last evaluated: 2020-01-25. Review status: criteria provided, single submitter. Criteria: Invitae Variant Classification Sherloc (09022015). Collection method: clinical testing. Allele origin: germline.
Comment: Algorithms developed to predict the effect of missense changes on protein structure and function are either unavailable or do not agree on the potential impact of this missense change (SIFT: "Deleterious"; PolyPhen-2: "Possibly Damaging"; Align-GVGD: "Class C0"). In summary, the available evidence is currently insufficient to determine the role of this variant in disease. Therefore, it has been classified as a Variant of Uncertain Significance. This sequence change replaces serine with cysteine at codon 22 of the DNM2 protein (p.Ser22Cys). The serine residue is moderately conserved and there is a moderate physicochemical difference between serine and cysteine. This variant has not been reported in the literature in individuals with DNM2-related conditions. This variant is not present in population databases (ExAC no frequency).

NM_001005361.3(DNM2):c.65C>G (p.Ser22Cys)

Genes: DNM2 (dynamin 2; plus strand), LOC130063529 (ATAC-STARR-seq lymphoblastoid silent region 10090; plus strand). Cytogenetic location: 19p13.2.
Variant type: single nucleotide variant.
Coding change: c.65C>G on transcript NM_001005361.3 (MANE Select); coding-DNA position 65, C replaced by G.
Protein change: p.Ser22Cys; replaces serine 22 with cysteine.
Molecular consequence: missense variant.
Genome position (GRCh38, 1-based): chr19:10,718,307, C>G. VCF-style: chr19-10718307-C-G. GRCh37 (hg19) VCF-style: chr19-10828983-C-G.
Other names: c.65C>G, p.Ser22Cys (NM_001005360.3, NM_001005362.3, NM_001190716.2 and 1 more transcripts); short protein forms S22C.
Identifiers: ClinVar variation 1052474 (VCV001052474.9), dbSNP rs2145637734, ClinGen allele CA404046585.